The following is an entry in ClinVar:

ClinVar aggregate classification (germline): Likely benign. Review status: criteria provided, multiple submitters, no conflicts (2 of 4 stars). 2 submissions from 2 submitters: Likely benign (2). Last evaluated 2026-01-19.

Conditions:
LAMA2-related muscular dystrophy (LAMA2-RD). Also called: Laminin alpha 2-related dystrophy. Identifiers: MedGen C5679788, MONDO:0100228.

Submissions (2):

Labcorp Genetics (formerly Invitae), Labcorp
Classification: Likely benign for LAMA2-related muscular dystrophy. Last evaluated: 2026-01-19. Review status: criteria provided, single submitter. Criteria: Invitae Variant Classification Sherloc (09022015). Collection method: clinical testing. Allele origin: germline.

Women's Health and Genetics/Laboratory Corporation of America, LabCorp
Classification: Likely benign. Last evaluated: 2025-05-09. Review status: criteria provided, single submitter. Criteria: LabCorp Variant Classification Summary - May 2015. Collection method: clinical testing. Allele origin: germline.
Comment: Variant summary: LAMA2 c.8988+19_8988+22dupAACA alters a nucleotide located at a position not widely known to affect splicing. Consensus agreement among computation tools predict no significant impact on normal splicing. However, these predictions have yet to be confirmed by functional studies. The variant allele was found at a frequency of 5.2e-05 in 251116 control chromosomes (gnomAD). This frequency is not significantly higher than estimated for a pathogenic variant in LAMA2 causing Merosin deficient congenital muscular dystrophy (5.2e-05 vs 0.0035), allowing no conclusion about variant significance. To our knowledge, no occurrence of c.8988+19_8988+22dupAACA in individuals affected with Merosin deficient congenital muscular dystrophy and no experimental evidence demonstrating its impact on protein function have been reported. ClinVar contains an entry for this variant (Variation ID: 1587257). Based on the evidence outlined above, the variant was classified as likely benign.

NM_000426.4(LAMA2):c.8988+19_8988+22dup

Gene: LAMA2 (laminin subunit alpha 2; plus strand). Cytogenetic location: 6q22.33.
Variant type: Duplication.
Coding change: c.8988+19_8988+22dup on transcript NM_000426.4 (MANE Select); bases 19 to 22 of the intron after coding-DNA position 8988, 4 bases duplicated (AACA; older notation c.8988+19_8988+22dupAACA).
Molecular consequence: intron variant.
Genome position (GRCh38, 1-based): chr6:129,512,512-129,512,515, AACA duplicated; duplicating any 4 consecutive bases within chr6:129,512,510-129,512,515 gives the same sequence; the c. name uses the placement nearest the transcript's 3' end. VCF-style (leftmost placement, unchanged base first): chr6-129512509-G-GCAAA. GRCh37 (hg19) VCF-style: chr6-129833654-G-GCAAA.
Other names: c.8976+19_8976+22dup (NM_001079823.2); c.8988+19_8988+22dupAACA (NM_000426.4).
Identifiers: ClinVar variation 1587257 (VCV001587257.11), dbSNP rs753023842, ClinGen allele CA3994992.